The following is an entry in ClinVar:

NM_000143.4(FH):c.734G>T (p.Gly245Val)

Gene: FH (fumarate hydratase; minus strand). Cytogenetic location: 1q43.
Variant type: single nucleotide variant.
Coding change: c.734G>T on transcript NM_000143.4 (MANE Select); coding-DNA position 734, G replaced by T.
Protein change: p.Gly245Val; replaces glycine 245 with valine.
Molecular consequence: missense variant.
Genome position (GRCh38, 1-based): chr1:241,508,607, C>A on the plus strand (G>T on the coding strand, the complement: FH is on the minus strand). VCF-style: chr1-241508607-C-A. GRCh37 (hg19) VCF-style: chr1-241671907-C-A.
Other names: short protein forms G245V.
Identifiers: ClinVar variation 5021724 (VCV005021724.1).

ClinVar aggregate classification (germline): Uncertain significance (1 of 4 stars; one submission).

Conditions:
Hereditary cancer-predisposing syndrome. Also called: Neoplastic Syndromes, Hereditary; Tumor predisposition; Hereditary neoplastic syndrome; Hereditary Cancer Syndrome. Identifiers: Orphanet 140162, MedGen C0027672, MeSH D009386, MONDO:0015356.

Submission:

Ambry Genetics
Classification: Uncertain significance for Hereditary cancer-predisposing syndrome. Last evaluated: 2026-07-06. Review status: criteria provided, single submitter. Criteria: Ambry Variant Classification Scheme 2023. Collection method: clinical testing. Allele origin: germline.
Comment: The p.G245V variant (also known as c.734G>T), located in coding exon 5 of the FH gene, results from a G to T substitution at nucleotide position 734. The glycine at codon 245 is replaced by valine, an amino acid with dissimilar properties. This amino acid position is conserved. In addition, this alteration is predicted to be deleterious by in silico analysis. Based on the available evidence, the clinical significance of this variant remains unclear.